The following is an entry in ClinVar:

NM_001042432.2(CLN3):c.125+5G>A

Gene: CLN3 (CLN3 lysosomal/endosomal transmembrane protein, battenin; minus strand). Cytogenetic location: 16p12.1.
Variant type: single nucleotide variant.
Coding change: c.125+5G>A on transcript NM_001042432.2 (MANE Select); 5 bases into the intron after coding-DNA position 125, G replaced by A.
Molecular consequence: intron variant.
Genome position (GRCh38, 1-based): chr16:28,491,477, C>T on the plus strand (G>A on the coding strand, the complement: CLN3 is on the minus strand). VCF-style: chr16-28491477-C-T. GRCh37 (hg19) VCF-style: chr16-28502798-C-T.
Other names: c.-38+237G>A (NM_001286109.2, NM_001286110.2); c.125+5G>A (NM_001286104.2, NM_000086.2); c.-96+237G>A (NM_001286105.2).
Identifiers: ClinVar variation 56253 (VCV000056253.13), dbSNP rs386833704, ClinGen allele CA263629.

ClinVar aggregate classification (germline): Conflicting classifications of pathogenicity. Review status: criteria provided, conflicting classifications (1 of 4 stars). 6 submissions from 6 submitters: Pathogenic (1); Likely pathogenic (3); Uncertain significance (1). 1 of the submissions does not count toward it. Last evaluated 2025-09-02.

Conditions:
Juvenile neuronal ceroid lipofuscinosis. Also called: Batten Disease. Identifiers: Orphanet 79264, MedGen CN293564, MONDO:0019262.
Neuronal ceroid lipofuscinosis. Also called: Neuronal Ceroid Lipofuscinoses. Identifiers: Orphanet 216, Orphanet 79263, MedGen C0027877, MONDO:0016295. Disease mechanism: loss of function.
Neuronal ceroid lipofuscinosis 3 (CLN3). Identifiers: Orphanet 228346, MedGen C0751383, MONDO:0008767, OMIM 204200.

Allele frequency attached by ClinVar (database versions not stated): gnomAD exomes below 0.00001 and 0.00002; gnomAD 0.00001; TOPMed 0.00001.
gnomAD v4.1: 8 of 1,613,072 alleles (0.0005%); highest among the groups gnomAD compares: Admixed American, 0.01%; no homozygotes.

Submissions (6):

Myriad Genetics, Inc.
Classification: Likely pathogenic for Neuronal ceroid lipofuscinosis 3. Last evaluated: 2025-09-02. Review status: criteria provided, single submitter. Criteria: Myriad Autosomal Dominant, Autosomal Recessive and X-Linked Classification Criteria (2023). Collection method: clinical testing. Allele origin: unknown.
Comment: NM_001042432.1(CLN3):c.125+5G>A is an intronic variant classified as likely pathogenic in the context of CLN3-related disorders. c.125+5G>A has been observed in cases with relevant disease (PMID: 21990111, 34662339, 39400524, 38927562). Relevant functional assessments of this variant are not available in the literature. c.125+5G>A has been observed in referenced population frequency databases. In summary, NM_001042432.1(CLN3):c.125+5G>A is an intronic variant that has been observed more frequently in cases with the relevant disease than in healthy populations. Please note: this variant was assessed in the context of healthy population screening.

Natera, Inc.
Classification: Likely pathogenic for Batten Disease. Last evaluated: 2025-07-11. Review status: criteria provided, single submitter. Criteria: Natera Variant Classification Schema (03/2026). Collection method: clinical testing. Allele origin: germline.
Comment: The c.125+5G>A variant in CLN3 is an intronic variant located outside the canonical splice sites. This variant is rare in the general population with a frequency below the threshold expected for the associated phenotype(s). This variant has been observed in one or more individuals affected with the associated recessive disease, as either homozygous or compound heterozygous with a second variant (PMID: 34662339, 28542676, 39400524). This variant has been identified in one or more affected individual with a phenotype highly consistent with the associated gene (PMID: 28542676, 34662339). Computational prediction algorithms indicate this variant is likely to affect gene or protein function. Given the available evidence, this variant is classified as Likely Pathogenic.

Labcorp Genetics (formerly Invitae), Labcorp
Classification: Pathogenic for Neuronal ceroid lipofuscinosis. Last evaluated: 2025-07-03. Review status: criteria provided, single submitter. Criteria: Invitae Variant Classification Sherloc (09022015). Collection method: clinical testing. Allele origin: germline.
Comment: This sequence change falls in intron 3 of the CLN3 gene. It does not directly change the encoded amino acid sequence of the CLN3 protein. It affects a nucleotide within the consensus splice site. This variant is present in population databases (rs386833704, gnomAD 0.009%). This variant has been observed in individuals with CLN3-related conditions (PMID: 21990111; internal data). ClinVar contains an entry for this variant (Variation ID: 56253). Variants that disrupt the consensus splice site are a relatively common cause of aberrant splicing (PMID: 17576681, 9536098). Algorithms developed to predict the effect of sequence changes on RNA splicing suggest that this variant may disrupt the consensus splice site. For these reasons, this variant has been classified as Pathogenic.

Baylor Genetics
Classification: Likely pathogenic for Neuronal ceroid lipofuscinosis 3. Last evaluated: 2023-05-31. Review status: criteria provided, single submitter. Criteria: ACMG Guidelines, 2015. Collection method: clinical testing. Allele origin: unknown.

Blueprint Genetics
Classification: Uncertain significance. Last evaluated: 2019-10-26. Review status: criteria provided, single submitter. Criteria: ACMG Guidelines, 2015. Collection method: clinical testing. Allele origin: germline.

Juha Muilu Group; Institute for Molecular Medicine Finland (FIMM)
Classification: Likely pathogenic for Juvenile neuronal ceroid lipofuscinosis. Review status: no assertion criteria provided. Collection method: not provided. Allele origin: unknown. Not counted in ClinVar's aggregate classification.
Comment: FinDis database variant: This variant was not found or characterized by our laboratory, data were collected from public sources: see reference
ClinVar note: Converted during submission from probable-pathogenic to Likely pathogenic.

Literature cited by the submitters: PubMed 21990111 (cited by Myriad Genetics, Inc. and Labcorp Genetics (formerly Invitae), Labcorp); PubMed 34662339 (cited by Myriad Genetics, Inc. and Natera, Inc.); PubMed 38927562 (cited by Myriad Genetics, Inc.); PubMed 39400524 (cited by Myriad Genetics, Inc. and Natera, Inc.); PubMed 28542676 (cited by Natera, Inc.); PubMed 17576681 (cited by Labcorp Genetics (formerly Invitae), Labcorp); PubMed 9536098 (cited by Labcorp Genetics (formerly Invitae), Labcorp).